The following is an entry in ClinVar:

NM_025243.4(SLC19A3):c.1204C>T (p.Arg402Cys)

Gene: SLC19A3 (solute carrier family 19 member 3; minus strand). Cytogenetic location: 2q36.3.
Variant type: single nucleotide variant.
Coding change: c.1204C>T on transcript NM_025243.4 (MANE Select); coding-DNA position 1204, C replaced by T.
Protein change: p.Arg402Cys; replaces arginine 402 with cysteine.
Molecular consequence: missense variant.
Genome position (GRCh38, 1-based): chr2:227,688,276, G>A on the plus strand (C>T on the coding strand, the complement: SLC19A3 is on the minus strand). VCF-style: chr2-227688276-G-A. GRCh37 (hg19) VCF-style: chr2-228552992-G-A.
Other names: c.1204C>T, p.Arg402Cys (NM_001371411.1, NM_001371412.1); c.1192C>T, p.Arg398Cys (NM_001371413.1, NM_001371414.1); short protein forms R402C, R398C.
Identifiers: ClinVar variation 771249 (VCV000771249.20), dbSNP rs150523975, ClinGen allele CA2149127.

ClinVar aggregate classification (germline): Conflicting classifications of pathogenicity. Review status: criteria provided, conflicting classifications (1 of 4 stars). 4 submissions from 4 submitters: Uncertain significance (3); Likely benign (1). Last evaluated 2026-01-03.

Conditions:
Biotin-responsive basal ganglia disease (BTBGD). Also called: Thiamine metabolism dysfunction syndrome 2 (biotin- or thiamine-responsive encephalopathy type 2); thiamine-responsive encephalopathy; THIAMINE METABOLISM DYSFUNCTION SYNDROME 2 (BIOTIN- AND THIAMINE-RESPONSIVE TYPE); Thiamine metabolism dysfunction syndrome type 2; Thiamine Transporter-2 Deficiency. Identifiers: Orphanet 199348, Orphanet 65284, MedGen C1843807, MONDO:0011841, OMIM 607483.

Allele frequency attached by ClinVar (database versions not stated): ESP Exome Variant Server 0.00008; TOPMed 0.00014; 1000 Genomes Project 30x 0.00016; 1000 Genomes Project 0.00020.

Submissions (4):

Labcorp Genetics (formerly Invitae), Labcorp
Classification: Likely benign for Biotin-responsive basal ganglia disease. Last evaluated: 2026-01-03. Review status: criteria provided, single submitter. Criteria: Invitae Variant Classification Sherloc (09022015). Collection method: clinical testing. Allele origin: germline.

GeneDx
Classification: Uncertain significance. Last evaluated: 2024-12-10. Review status: criteria provided, single submitter. Criteria: GeneDx Variant Classification Process June 2021. Collection method: clinical testing. Allele origin: germline. Affected: yes.
Comment: In silico analysis supports that this missense variant has a deleterious effect on protein structure/function; Has not been previously published as pathogenic or benign to our knowledge; This variant is associated with the following publications: (PMID: 28402605)

Blueprint Genetics
Classification: Uncertain significance. Last evaluated: 2024-11-12. Review status: criteria provided, single submitter. Criteria: ACMG Guidelines, 2015. Collection method: clinical testing. Allele origin: germline.

Illumina Laboratory Services, Illumina
Classification: Uncertain significance for Biotin-responsive basal ganglia disease. Last evaluated: 2018-01-12. Review status: criteria provided, single submitter. Criteria: ICSL Variant Classification Criteria 13 December 2019. Collection method: clinical testing. Allele origin: germline.